The following is an entry in ClinVar:

ClinVar aggregate classification (germline): Uncertain significance. Review status: criteria provided, multiple submitters, no conflicts (2 of 4 stars). 2 submissions from 2 submitters: Uncertain significance (2). Last evaluated 2025-02-26.

Conditions:
Inborn genetic diseases. Identifiers: MedGen C0950123, MeSH D030342.

Allele frequency attached by ClinVar (database versions not stated): TOPMed 0.00007; gnomAD 0.00001; gnomAD exomes 0.00002.
gnomAD v4.1: 14 of 1,571,628 alleles (0.00089%); highest among the groups gnomAD compares: Admixed American, 0.02%; no homozygotes.

Submissions (2):

Labcorp Genetics (formerly Invitae), Labcorp
Classification: Uncertain significance. Last evaluated: 2025-02-26. Review status: criteria provided, single submitter. Criteria: Invitae Variant Classification Sherloc (09022015). Collection method: clinical testing. Allele origin: germline.
Comment: This sequence change replaces isoleucine, which is neutral and non-polar, with threonine, which is neutral and polar, at codon 41 of the WNT5A protein (p.Ile41Thr). This variant is present in population databases (rs765217843, gnomAD 0.03%). This variant has not been reported in the literature in individuals affected with WNT5A-related conditions. ClinVar contains an entry for this variant (Variation ID: 2379610). An algorithm developed to predict the effect of missense changes on protein structure and function (PolyPhen-2) suggests that this variant is likely to be tolerated. In summary, the available evidence is currently insufficient to determine the role of this variant in disease. Therefore, it has been classified as a Variant of Uncertain Significance.

Ambry Genetics
Classification: Uncertain significance for Inborn genetic diseases. Last evaluated: 2022-10-03. Review status: criteria provided, single submitter. Criteria: Ambry Variant Classification Scheme 2023. Collection method: clinical testing. Allele origin: germline.

NM_003392.7(WNT5A):c.122T>C (p.Ile41Thr)

Gene: WNT5A (Wnt family member 5A; minus strand). Cytogenetic location: 3p14.3.
Variant type: single nucleotide variant.
Coding change: c.122T>C on transcript NM_003392.7 (MANE Select); coding-DNA position 122, T replaced by C.
Protein change: p.Ile41Thr; replaces isoleucine 41 with threonine.
Molecular consequence: missense variant.
Genome position (GRCh38, 1-based): chr3:55,480,803, A>G on the plus strand (T>C on the coding strand, the complement: WNT5A is on the minus strand). VCF-style: chr3-55480803-A-G. GRCh37 (hg19) VCF-style: chr3-55514831-A-G.
Other names: c.77T>C, p.Ile26Thr (NM_001256105.1, NM_001377271.1, NM_001377272.1); short protein forms I41T, I26T.
Identifiers: ClinVar variation 2379610 (VCV002379610.5), dbSNP rs765217843, ClinGen allele CA2459122.
Genomic context (GRCh38, chr3:55,480,803, plus strand): 5'-AAGAAAAAGAAGAGGAAGAACACGCACATAGAATGAACTTACCACCAAGAATTGGCTTCA[A>G]TTACAACCTGGGCGAAGGAGAAAAATATGGCCAAAGCCACTAGGAAGAACTTGGAAGACA-3'
Protein context (NP_003383.4, residues 31-51): AIFFSFAQVV[Ile41Thr]EANSWWSLGM